The following is an entry in ClinVar:

NM_001372.4(DNAH9):c.7090G>C (p.Asp2364His)

Gene: DNAH9 (dynein axonemal heavy chain 9; plus strand). Cytogenetic location: 17p12.
Variant type: single nucleotide variant.
Coding change: c.7090G>C on transcript NM_001372.4 (MANE Select); coding-DNA position 7090, G replaced by C.
Protein change: p.Asp2364His; replaces aspartic acid 2364 with histidine.
Molecular consequence: missense variant.
Genome position (GRCh38, 1-based): chr17:11,763,534, G>C. VCF-style: chr17-11763534-G-C. GRCh37 (hg19) VCF-style: chr17-11666851-G-C.
Other names: short protein forms D2364H.
Identifiers: ClinVar variation 4741271 (VCV004741271.1).

ClinVar aggregate classification (germline): Uncertain significance (1 of 4 stars; one submission).

Submission:

Labcorp Genetics (formerly Invitae), Labcorp
Classification: Uncertain significance. Last evaluated: 2026-01-02. Review status: criteria provided, single submitter. Criteria: Invitae Variant Classification Sherloc (09022015). Collection method: clinical testing. Allele origin: germline.
Comment: This sequence change replaces aspartic acid, which is acidic and polar, with histidine, which is basic and polar, at codon 2364 of the DNAH9 protein (p.Asp2364His). This variant is not present in population databases (gnomAD no frequency). This variant has not been reported in the literature in individuals affected with DNAH9-related conditions. Invitae Evidence Modeling of protein sequence and biophysical properties (such as structural, functional, and spatial information, amino acid conservation, physicochemical variation, residue mobility, and thermodynamic stability) has been performed for this missense variant. However, the output from this modeling did not meet the statistical confidence thresholds required to predict the impact of this variant on DNAH9 protein function. In summary, the available evidence is currently insufficient to determine the role of this variant in disease. Therefore, it has been classified as a Variant of Uncertain Significance.